The following is an entry in ClinVar:

NM_078480.3(PUF60):c.683T>A (p.Ile228Asn)

Gene: PUF60 (poly(U) binding splicing factor 60; minus strand). Cytogenetic location: 8q24.3.
Variant type: single nucleotide variant.
Coding change: c.683T>A on transcript NM_078480.3 (MANE Select); coding-DNA position 683, T replaced by A.
Protein change: p.Ile228Asn; replaces isoleucine 228 with asparagine.
Molecular consequence: missense variant.
Genome position (GRCh38, 1-based): chr8:143,817,996, A>T on the plus strand (T>A on the coding strand, the complement: PUF60 is on the minus strand). VCF-style: chr8-143817996-A-T. GRCh37 (hg19) VCF-style: chr8-144900166-A-T.
Other names: c.554T>A, p.Ile185Asn (NM_001136033.3); c.629T>A, p.Ile210Asn (NM_001271096.2); c.545T>A, p.Ile182Asn (NM_001271097.2); c.680T>A, p.Ile227Asn (NM_001271098.2); c.596T>A, p.Ile199Asn (NM_001271099.2); c.503T>A, p.Ile168Asn (NM_001271100.2); c.794T>A, p.Ile265Asn (NM_001362895.2, NM_001362896.2); c.743T>A, p.Ile248Asn (NM_001362897.2); and 1 more; short protein forms I168N, I182N, I185N, I199N, I210N, I211N, I227N, I228N.
Identifiers: ClinVar variation 3364738 (VCV003364738.1).

ClinVar aggregate classification (germline): Uncertain significance (1 of 4 stars; one submission).

Submission:

GeneDx
Classification: Uncertain significance. Last evaluated: 2023-11-20. Review status: criteria provided, single submitter. Criteria: GeneDx Variant Classification Process June 2021. Collection method: clinical testing. Allele origin: germline. Affected: yes.
Comment: Not observed at significant frequency in large population cohorts (gnomAD); In silico analysis supports that this missense variant has a deleterious effect on protein structure/function; Has not been previously published as pathogenic or benign to our knowledge